The following is an entry in ClinVar:

NM_015909.4(NBAS):c.3577A>G (p.Met1193Val)

Gene: NBAS (NBAS subunit of NRZ tethering complex; minus strand). Cytogenetic location: 2p24.3.
Variant type: single nucleotide variant.
Coding change: c.3577A>G on transcript NM_015909.4 (MANE Select); coding-DNA position 3577, A replaced by G.
Protein change: p.Met1193Val; replaces methionine 1193 with valine.
Molecular consequence: missense variant. On other transcripts: non-coding transcript variant (1).
Genome position (GRCh38, 1-based): chr2:15,379,615, T>C on the plus strand (A>G on the coding strand, the complement: NBAS is on the minus strand). VCF-style: chr2-15379615-T-C. GRCh37 (hg19) VCF-style: chr2-15519739-T-C.
Other names: short protein forms M1193V.
Identifiers: ClinVar variation 2584807 (VCV002584807.4), dbSNP rs558365811, ClinGen allele CA1535997.
Genomic context (GRCh38, chr2:15,379,615, plus strand): 5'-TCTGACTTTCCCCCTCCATCTTAGGGAAGAATATAGAGTTATTCTACCTGGCTAGATCCA[T>C]GCAGCTATCAGTGAGGTTGGTAGAAGAATTGAAGTACTCTCTGCTGGCAGCCAAAACCAA-3'
Protein context (NP_056993.2, residues 1183-1203): NSSTNLTDSC[Met1193Val]DLARCCLQLI

ClinVar aggregate classification (germline): Conflicting classifications of pathogenicity. Review status: criteria provided, conflicting classifications (1 of 4 stars). 2 submissions from 2 submitters: Uncertain significance (1); Likely benign (1). Last evaluated 2025-08-03.

Conditions:
Short stature-optic atrophy-Pelger-Huët anomaly syndrome. Also called: Short stature, optic nerve atrophy, and Pelger-Huet anomaly; Short stature-optic atrophy-Pelger-HuC+t anomaly syndrome. Identifiers: Orphanet 391677, MedGen C3541319, MONDO:0013889, OMIM 614800.

Allele frequency attached by ClinVar (database versions not stated): gnomAD exomes 0.00004; 1000 Genomes Project 0.00060; TOPMed 0.00002; gnomAD 0.00004; 1000 Genomes Project 30x 0.00047.

Submissions (2):

Labcorp Genetics (formerly Invitae), Labcorp
Classification: Likely benign. Last evaluated: 2025-08-03. Review status: criteria provided, single submitter. Criteria: Invitae Variant Classification Sherloc (09022015). Collection method: clinical testing. Allele origin: germline.

Neuberg Centre For Genomic Medicine, NCGM
Classification: Uncertain significance for Short stature-optic atrophy-Pelger-Huët anomaly syndrome. Review status: criteria provided, single submitter. Criteria: ACMG Guidelines, 2015. Collection method: clinical testing. Allele origin: germline. Inheritance: Autosomal recessive inheritance. Affected: yes.
Comment: The missense variant in c.3577A>G(p.Met1193Val) in NBAS gene has not been reported previously as a pathogenic variant nor as a benign variant, to our knowledge. The variant is reported with the allele frequency of 0.009945% in gnomAD Exome and is novel (not in any individual) in 1000 Genome. The amino acid Met at position 1193 is changed to a Val changing protein sequence and it might alter its composition and physico-chemical properties. The amino acid change p.Met1193Val in NBAS is predicted as conserved by GERP++ and PhyloP across 100 vertebrates. For these reasons, this variant has been classified as uncertain significance.